The following is an entry in ClinVar:

NM_198525.3(KIF7):c.1083C>G (p.Ala361=)

Gene: KIF7 (kinesin family member 7; minus strand). Cytogenetic location: 15q26.1.
Variant type: single nucleotide variant.
Coding change: c.1083C>G on transcript NM_198525.3 (MANE Select); coding-DNA position 1083, C replaced by G.
Protein change: p.Ala361=; no amino-acid change (alanine 361 retained).
Molecular consequence: synonymous variant.
Genome position (GRCh38, 1-based): chr15:89,648,615, G>C on the plus strand (C>G on the coding strand, the complement: KIF7 is on the minus strand). VCF-style: chr15-89648615-G-C. GRCh37 (hg19) VCF-style: chr15-90191846-G-C.
Other names: c.1083C>G (NM_198525.2).
Identifiers: ClinVar variation 1569201 (VCV001569201.11), dbSNP rs762513139, ClinGen allele CA7728589.

ClinVar aggregate classification (germline): Likely benign. Review status: criteria provided, multiple submitters, no conflicts (2 of 4 stars). 3 submissions from 3 submitters: Likely benign (2). 1 of the submissions does not count toward it. Last evaluated 2024-05-22.

Conditions:
Acrocallosal syndrome (ACLS). Also called: Schinzel syndrome 1; Absence of corpus callosum with unusual facial appearance, mental deficiency, duplication of the halluces and polydactyly; HALLUX DUPLICATION, POSTAXIAL POLYDACTYLY, AND ABSENCE OF CORPUS CALLOSUM. Identifiers: Orphanet 36, MedGen C0796147, MONDO:0008708, OMIM 200990.
KIF7-related disorder. Also called: KIF7-related condition.

Allele frequency attached by ClinVar (database versions not stated): TOPMed 0.00001; gnomAD exomes 0.00002; ExAC 0.00007.

Submissions (3):

Labcorp Genetics (formerly Invitae), Labcorp
Classification: Likely benign for Acrocallosal syndrome. Last evaluated: 2024-05-22. Review status: criteria provided, single submitter. Criteria: Invitae Variant Classification Sherloc (09022015). Collection method: clinical testing. Allele origin: germline.

Blueprint Genetics
Classification: Likely benign. Last evaluated: 2023-02-22. Review status: criteria provided, single submitter. Criteria: ACMG Guidelines, 2015. Collection method: clinical testing. Allele origin: germline.

PreventionGenetics, part of Exact Sciences
Classification: Likely benign for KIF7-related condition. Last evaluated: 2022-09-07. Review status: no assertion criteria provided. Collection method: clinical testing. Allele origin: germline. Not counted in ClinVar's aggregate classification.
Comment: This variant is classified as likely benign based on ACMG/AMP sequence variant interpretation guidelines (Richards et al. 2015 PMID: 25741868, with internal and published modifications).